The following is an entry in ClinVar:

NM_000059.4(BRCA2):c.6695A>T (p.Lys2232Ile)

Gene: BRCA2 (BRCA2 DNA repair associated; plus strand). Cytogenetic location: 13q13.1.
Variant type: single nucleotide variant.
Coding change: c.6695A>T on transcript NM_000059.4 (MANE Select); coding-DNA position 6695, A replaced by T.
Protein change: p.Lys2232Ile; replaces lysine 2232 with isoleucine.
Molecular consequence: missense variant.
Genome position (GRCh38, 1-based): chr13:32,341,050, A>T. VCF-style: chr13-32341050-A-T. GRCh37 (hg19) VCF-style: chr13-32915187-A-T.
Other names: short protein forms K2232I.
Identifiers: ClinVar variation 186629 (VCV000186629.21), dbSNP rs786203098, ClinGen allele CA024305.
Genomic context (GRCh38, chr13:32,341,050, plus strand): 5'-GTTCTACTTACTCCAAAGATTCAGAAAACTACTTTGAAACAGAAGCAGTAGAAATTGCTA[A>T]AGCTTTTATGGAAGATGATGAACTGACAGATTCTAAACTGCCAAGTCATGCCACACATTC-3'
Protein context (NP_000050.3, residues 2222-2242): YFETEAVEIA[Lys2232Ile]AFMEDDELTD

ClinVar aggregate classification (germline): Conflicting classifications of pathogenicity. Review status: criteria provided, conflicting classifications (1 of 4 stars). 6 submissions from 6 submitters: Uncertain significance (5); Likely benign (1). Last evaluated 2025-11-11.

Conditions:
BRCA2-related cancer predisposition. Identifiers: MedGen CN377758, MONDO:0700269.
Familial cancer of breast. Also called: hereditary breast carcinoma; BREAST CANCER, FAMILIAL; Hereditary breast cancer. Identifiers: Orphanet 227535, MedGen C0346153, MONDO:0016419, OMIM 114480. Disease mechanism: loss of function.
Breast-ovarian cancer, familial, susceptibility to, 2 (BROVCA2). Also called: BRCA2 Hereditary Breast and Ovarian Cancer. Identifiers: Orphanet 145, MedGen C2675520, MONDO:0012933, OMIM 612555. Disease mechanism: loss of function.
Fanconi anemia complementation group D1. Also called: BRCA2-Related Fanconi Anemia. Identifiers: Orphanet 319462, MedGen C1838457, MONDO:0011584, OMIM 605724.
Medulloblastoma (MDB). Also called: Medulloblastoma, somatic; MEDULLOBLASTOMA PREDISPOSITION SYNDROME. Identifiers: Orphanet 616, MedGen C0025149, MeSH D008527, MONDO:0007959, OMIM 155255, HP:0002885.
Prostate cancer. Also called: Malignant tumor of prostate. Identifiers: Orphanet 1331, MedGen C0376358, MONDO:0008315, HP:0012125.
Wilms tumor 1 (WT1). Also called: Wilms tumor, somatic. Identifiers: Orphanet 654, MedGen CN033288, MONDO:0008679, OMIM 194070.
Pancreatic cancer, susceptibility to, 2. Identifiers: Orphanet 1333, MedGen C3150546, MONDO:0013235, OMIM 613347.
Glioma susceptibility 3 (GLM3). Also called: Glioblastoma 3. Identifiers: Orphanet 182067, Orphanet 360, MedGen C2751641, MONDO:0013093, OMIM 613029.
Hereditary cancer-predisposing syndrome. Also called: Neoplastic Syndromes, Hereditary; Hereditary neoplastic syndrome; Hereditary Cancer Syndrome; Tumor predisposition. Identifiers: Orphanet 140162, MedGen C0027672, MeSH D009386, MONDO:0015356.
Hereditary breast ovarian cancer syndrome. Also called: BRCA1- and BRCA2-Associated Hereditary Breast and Ovarian Cancer; Hereditary breast and ovarian cancer syndrome; Hereditary breast and ovarian cancer syndrome (HBOC); Hereditary breast and ovarian cancer; Breast and ovarian cancer; Hereditary breast and/or ovarian cancer syndrome. Identifiers: Orphanet 145, MedGen C0677776, MeSH D061325, MONDO:0003582. Disease mechanism: loss of function.

Allele frequency attached by ClinVar (database versions not stated): TOPMed below 0.00001; gnomAD 0.00001.
gnomAD v4.1: 1 of 1,613,854 alleles (0.000062%); highest among the groups gnomAD compares: Non-Finnish European, 0.000085%; no homozygotes.

Submissions (6):

Labcorp Genetics (formerly Invitae), Labcorp
Classification: Uncertain significance for Hereditary breast ovarian cancer syndrome. Last evaluated: 2025-11-11. Review status: criteria provided, single submitter. Criteria: Invitae Variant Classification Sherloc (09022015). Collection method: clinical testing. Allele origin: germline.
Comment: This sequence change replaces lysine, which is basic and polar, with isoleucine, which is neutral and non-polar, at codon 2232 of the BRCA2 protein (p.Lys2232Ile). This variant is not present in population databases (gnomAD no frequency). This variant has not been reported in the literature in individuals affected with BRCA2-related conditions. ClinVar contains an entry for this variant (Variation ID: 186629). Invitae Evidence Modeling of protein sequence and biophysical properties (such as structural, functional, and spatial information, amino acid conservation, physicochemical variation, residue mobility, and thermodynamic stability) indicates that this missense variant is not expected to disrupt BRCA2 protein function with a negative predictive value of 95%. In summary, the available evidence is currently insufficient to determine the role of this variant in disease. Therefore, it has been classified as a Variant of Uncertain Significance.

All of Us Research Program, National Institutes of Health
Classification: Uncertain significance for BRCA2-related cancer predisposition. Last evaluated: 2024-05-09. Review status: criteria provided, single submitter. Criteria: ACMG Guidelines, 2015. Collection method: clinical testing. Allele origin: germline. Inheritance: Autosomal dominant inheritance. Observed: 2 variant alleles, 2 heterozygotes.
Comment: This missense variant replaces lysine with isoleucine at codon 2232 of the BRCA2 protein. Computational prediction is inconclusive regarding the impact of this variant on protein structure and function (internally defined REVEL score threshold 0.5 < inconclusive < 0.7, PMID: 27666373). Splice site prediction tools suggest that this variant may not impact RNA splicing. To our knowledge, functional studies have not been performed for this variant. This variant has not been reported in individuals affected with hereditary cancer in the literature. This variant has not been identified in the general population by the Genome Aggregation Database (gnomAD). The available evidence is insufficient to determine the role of this variant in disease conclusively. Therefore, this variant is classified as a Variant of Uncertain Significance.

This study involves interpretation of variants in research participants for the purpose of population health screening. Participant phenotype was not available at the time of variant classification. Additional details can be found in publication PMID: 35346344, PMCID: PMC8962531

Ambry Genetics
Classification: Uncertain significance for Hereditary cancer-predisposing syndrome. Last evaluated: 2024-01-05. Review status: criteria provided, single submitter. Criteria: Ambry Variant Classification Scheme 2023. Collection method: clinical testing. Allele origin: germline.
Comment: The p.K2232I variant (also known as c.6695A>T), located in coding exon 10 of the BRCA2 gene, results from an A to T substitution at nucleotide position 6695. The lysine at codon 2232 is replaced by isoleucine, an amino acid with dissimilar properties. This amino acid position is not well conserved in available vertebrate species. In addition, the in silico prediction for this alteration is inconclusive. Since supporting evidence is limited at this time, the clinical significance of this alteration remains unclear.

GeneDx
Classification: Uncertain significance. Last evaluated: 2023-06-20. Review status: criteria provided, single submitter. Criteria: GeneDx Variant Classification Process June 2021. Collection method: clinical testing. Allele origin: germline. Affected: yes.
Comment: Observed in an individual undergoing hereditary cancer multigene panel testing based on personal and family history (Li et al., 2020); Not observed at significant frequency in large population cohorts (gnomAD); In silico analysis supports that this missense variant does not alter protein structure/function; Also known as 6923A>T; This variant is associated with the following publications: (PMID: 31911673, 29884841, 32377563, 31853058)

University of Washington Department of Laboratory Medicine, University of Washington
Classification: Likely benign for Hereditary cancer-predisposing syndrome. Last evaluated: 2023-03-23. Review status: criteria provided, single submitter. Criteria: Dines et al. (Genet Med. 2020). Collection method: curation. Allele origin: germline.
Comment: Missense variant in a coldspot region where missense variants are very unlikely to be pathogenic (PMID:31911673).

BRCA2 exon 11 coldspot. Reclassification based on statistical prior probability.

Fulgent Genetics
Classification: Uncertain significance for Familial cancer of breast; Medulloblastoma; Familial prostate cancer; Wilms tumor 1; Fanconi anemia complementation group D1; Breast-ovarian cancer, familial, susceptibility to, 2; Glioma susceptibility 3; Pancreatic cancer, susceptibility to, 2. Last evaluated: 2022-01-20. Review status: criteria provided, single submitter. Criteria: ACMG Guidelines, 2015. Collection method: clinical testing. Allele origin: unknown.